The following is an entry in ClinVar:

ClinVar aggregate classification (germline): Likely pathogenic (1 of 4 stars; one submission).

Conditions:
X-linked intellectual disability, van Esch type. Also called: MENTAL RETARDATION, X-LINKED, SYNDROMIC, VAN ESCH-O''DRISCOLL TYPE; Van Esch-O'Driscoll syndrome. Identifiers: Orphanet 163976, MedGen C4305072, MONDO:0015601, OMIM 301030.

Submission:

3billion
Classification: Likely pathogenic for X-linked intellectual disability, van Esch type. Last evaluated: 2026-01-19. Review status: criteria provided, single submitter. Criteria: ACMG Guidelines, 2015. Collection method: clinical testing. Allele origin: germline. Affected: yes.
Comment: The variant is not observed in the gnomAD v4.1.0 dataset. Predicted Consequence/Location: Canonical splice site: predicted to alter splicing and result in a loss or disruption of normal protein function. Multiple pathogenic loss-of-function variants are reported downstream of the variant. In silico tools predict the variant to alter splicing and produce an abnormal transcript [SpliceAI: 0.99 (spliceogenicity >=0.2, non-spliceogenicity <0.1)]. Therefore, this variant is classified as Likely pathogenic according to the recommendation of ACMG/AMP guideline.

NM_001330360.2(POLA1):c.463-2A>G

Gene: POLA1 (DNA polymerase alpha 1, catalytic subunit; plus strand). Cytogenetic location: Xp22.11.
Variant type: single nucleotide variant.
Coding change: c.463-2A>G on transcript NM_001330360.2 (MANE Select); the canonical splice acceptor site of the intron before coding-DNA position 463, A replaced by G.
Molecular consequence: splice acceptor variant.
Genome position (GRCh38, 1-based): chrX:24,715,139, A>G. VCF-style: chrX-24715139-A-G. GRCh37 (hg19) VCF-style: chrX-24733256-A-G.
Other names: c.463-2A>G (NM_001440806.1, NM_001378303.1); c.445-2A>G (NM_016937.4).
Identifiers: ClinVar variation 4854947 (VCV004854947.1).